The following is an entry in ClinVar:

ClinVar aggregate classification (germline): Uncertain significance. Review status: criteria provided, multiple submitters, no conflicts (2 of 4 stars). 2 submissions from 2 submitters: Uncertain significance (2). Last evaluated 2025-01-25.

Conditions:
Inborn genetic diseases. Identifiers: MedGen C0950123, MeSH D030342.

Allele frequency attached by ClinVar (database versions not stated): gnomAD exomes below 0.00001.
gnomAD v4.1: 1 of 1,613,776 alleles (0.000062%); highest among the groups gnomAD compares: Non-Finnish European, 0.000085%; no homozygotes.

Submissions (2):

Ambry Genetics
Classification: Uncertain significance for Inborn genetic diseases. Last evaluated: 2025-01-25. Review status: criteria provided, single submitter. Criteria: Ambry Variant Classification Scheme 2023. Collection method: clinical testing. Allele origin: germline.

CeGaT Center for Human Genetics Tuebingen
Classification: Uncertain significance. Last evaluated: 2023-04-01. Review status: criteria provided, single submitter. Criteria: CeGaT Center For Human Genetics Tuebingen Variant Classification Criteria Version 2. Collection method: clinical testing. Allele origin: germline. Affected: yes. Observed: 1 variant allele.
Comment: SPTBN2: PM2

NM_006946.4(SPTBN2):c.6980T>C (p.Ile2327Thr)

Gene: SPTBN2 (spectrin beta, non-erythrocytic 2; minus strand). Cytogenetic location: 11q13.2.
Variant type: single nucleotide variant.
Coding change: c.6980T>C on transcript NM_006946.4 (MANE Select); coding-DNA position 6980, T replaced by C.
Protein change: p.Ile2327Thr; replaces isoleucine 2327 with threonine.
Molecular consequence: missense variant.
Genome position (GRCh38, 1-based): chr11:66,686,064, A>G on the plus strand (T>C on the coding strand, the complement: SPTBN2 is on the minus strand). VCF-style: chr11-66686064-A-G. GRCh37 (hg19) VCF-style: chr11-66453535-A-G.
Other names: c.7001T>C, p.Ile2334Thr (NM_001411025.1); c.6980T>C (NM_006946.2); short protein forms I2327T, I2334T.
Identifiers: ClinVar variation 2642000 (VCV002642000.25), dbSNP rs886090164, ClinGen allele CA224073787.
Genomic context (GRCh38, chr11:66,686,064, plus strand): 5'-CGGGTGGTGCTGGGCACCACCGGCTCTTCAGGCTCTCCAGAGGCAGAAGACGCTGTGGCA[A>G]TGGCTGCATTCACCACCCGTAGCCACGAGCTCATCTCTGCCTGTGGATGGAAAGACCCTC-3'
Protein context (NP_008877.2, residues 2317-2337): SSWLRVVNAA[Ile2327Thr]ATASSASGEP